The following is an entry in ClinVar:

ClinVar aggregate classification (germline): Uncertain significance (1 of 4 stars; one submission).

Conditions:
Inborn genetic diseases. Identifiers: MedGen C0950123, MeSH D030342.

Submission:

Ambry Genetics
Classification: Uncertain significance for Inborn genetic diseases. Last evaluated: 2025-04-05. Review status: criteria provided, single submitter. Criteria: Ambry Variant Classification Scheme 2023. Collection method: clinical testing. Allele origin: germline.
Comment: The p.Q295K variant (also known as c.883C>A), located in coding exon 1 of the SAMD9L gene, results from a C to A substitution at nucleotide position 883. The glutamine at codon 295 is replaced by lysine, an amino acid with similar properties. This amino acid position is conserved. In addition, this alteration is predicted to be tolerated by in silico analysis. Based on the available evidence, the clinical significance of this variant remains unclear.

NM_152703.5(SAMD9L):c.883C>A (p.Gln295Lys)

Gene: SAMD9L (sterile alpha motif domain containing 9 like; minus strand). Cytogenetic location: 7q21.2.
Variant type: single nucleotide variant.
Coding change: c.883C>A on transcript NM_152703.5 (MANE Select); coding-DNA position 883, C replaced by A.
Protein change: p.Gln295Lys; replaces glutamine 295 with lysine.
Molecular consequence: missense variant.
Genome position (GRCh38, 1-based): chr7:93,135,089, G>T on the plus strand (C>A on the coding strand, the complement: SAMD9L is on the minus strand). VCF-style: chr7-93135089-G-T. GRCh37 (hg19) VCF-style: chr7-92764402-G-T.
Other names: c.883C>A, p.Gln295Lys (NM_001303496.3, NM_001303497.3, NM_001303498.3 and 5 more transcripts); short protein forms Q295K.
Identifiers: ClinVar variation 3949806 (VCV003949806.1).